The following is an entry in ClinVar:

ClinVar aggregate classification (germline): Likely pathogenic. Review status: criteria provided, single submitter (1 of 4 stars). 2 submissions from 2 submitters: Likely pathogenic (1). 1 of the submissions does not count toward it. Last evaluated 2025-04-04.

Conditions:
Cohen syndrome (COH1). Also called: Cutis verticis gyrata, retinitis pigmentosa, and sensorineural deafness; PEPPER SYNDROME. Identifiers: Orphanet 193, MedGen C0265223, MONDO:0008999, OMIM 216550.

Submissions (2):

Natera, Inc.
Classification: Likely pathogenic for Cohen syndrome. Last evaluated: 2025-04-04. Review status: criteria provided, single submitter. Criteria: Natera Variant Classification Schema (03/2026). Collection method: clinical testing. Allele origin: germline.
Comment: The c.10436_10439del variant in VPS13B is a frameshift variant predicted to shift the reading frame beginning at codon 3479 and leads to a stop codon 30 codons downstream. This variant is expected to result in nonsense mediated decay, truncation, or a dysfunctional protein product. This variant is rare in the general population with a frequency below the threshold expected for the associated phenotype(s). This variant has been observed in one or more individuals affected with the associated recessive disease, as either homozygous or compound heterozygous with a second variant (PMID: 34448047). Given the available evidence, this variant is classified as Likely Pathogenic.

Counsyl
Classification: Likely pathogenic for Cohen syndrome. Last evaluated: 2017-07-05. Review status: no assertion criteria provided. Collection method: clinical testing. Allele origin: unknown. Not counted in ClinVar's aggregate classification.

Literature cited by the submitters: PubMed 34448047 (cited by Natera, Inc.).

NM_152564.5(VPS13B):c.10361_10364del (p.Ile3454fs)

Gene: VPS13B (vacuolar protein sorting 13 homolog B; plus strand). Cytogenetic location: 8q22.2.
Variant type: Deletion.
Coding change: c.10361_10364del on transcript NM_152564.5 (MANE Select); coding-DNA positions 10361 to 10364, 4 bases deleted (TTCA; older notation c.10361_10364delTTCA).
Protein change: p.Ile3454fs; shifts the reading frame from isoleucine 3454.
Molecular consequence: frameshift variant.
Genome position (GRCh38, 1-based): chr8:99,853,750-99,853,753, TTCA deleted; deleting any 4 consecutive bases within chr8:99,853,748-99,853,753 gives the same sequence; the c. name uses the placement nearest the transcript's 3' end. VCF-style (leftmost placement, unchanged base first): chr8-99853747-CCATT-C. GRCh37 (hg19) VCF-style: chr8-100865975-CCATT-C.
Other names: c.10436_10439del (NM_017890.4); c.10436_10439del, p.Ile3479fs (NM_017890.5); c.10436_10439delTTCA (NM_017890.4); short protein forms I3454fs, I3479fs.
Identifiers: ClinVar variation 552733 (VCV000552733.4), dbSNP rs1554581430, ClinGen allele CA658821912.